The following is an entry in ClinVar:

NM_000089.4(COL1A2):c.3227C>A (p.Pro1076His)

Gene: COL1A2 (collagen type I alpha 2 chain; plus strand). Cytogenetic location: 7q21.3.
Variant type: single nucleotide variant.
Coding change: c.3227C>A on transcript NM_000089.4 (MANE Select); coding-DNA position 3227, C replaced by A.
Protein change: p.Pro1076His; replaces proline 1076 with histidine.
Molecular consequence: missense variant.
Genome position (GRCh38, 1-based): chr7:94,427,255, C>A. VCF-style: chr7-94427255-C-A. GRCh37 (hg19) VCF-style: chr7-94056567-C-A.
Other names: short protein forms P1076H.
Identifiers: ClinVar variation 2951485 (VCV002951485.3), dbSNP rs12666875, ClinGen allele CA4347705.

ClinVar aggregate classification (germline): Uncertain significance (1 of 4 stars; one submission).

Conditions:
Osteogenesis imperfecta type I (OI1). Also called: Lobstein disease; OI, TYPE I; OSTEOGENESIS IMPERFECTA TARDA; OSTEOGENESIS IMPERFECTA WITH BLUE SCLERAE; Osteogenesis imperfecta type 1; Lobstein's Disease. Identifiers: Orphanet 216796, Orphanet 666, MedGen C0023931, MONDO:0008146, OMIM 166200. Disease mechanism: loss of function.
Ehlers-Danlos syndrome, classic type, 1 (EDSCL1). Also called: EDS I; EHLERS-DANLOS SYNDROME, GRAVIS TYPE; EHLERS-DANLOS SYNDROME, SEVERE CLASSIC TYPE; Ehlers-Danlos syndrome, type 1; Ehlers-Danlos Syndrome, Classic Type, COL5A1-Related. Identifiers: MedGen C0268335, MONDO:0019567, OMIM 130000.

Allele frequency attached by ClinVar (database versions not stated): ExAC 0.00001; gnomAD 0.00001; TOPMed 0.00002.
gnomAD v4.1: 8 of 1,613,852 alleles (0.0005%); highest among the groups gnomAD compares: East Asian, 0.018%; no homozygotes.

Submission:

Labcorp Genetics (formerly Invitae), Labcorp
Classification: Uncertain significance for Osteogenesis imperfecta type I; Ehlers-Danlos syndrome, classic type, 1. Last evaluated: 2024-01-25. Review status: criteria provided, single submitter. Criteria: Invitae Variant Classification Sherloc (09022015). Collection method: clinical testing. Allele origin: germline.
Comment: This sequence change replaces proline, which is neutral and non-polar, with histidine, which is basic and polar, at codon 1076 of the COL1A2 protein (p.Pro1076His). This variant is present in population databases (rs12666875, gnomAD 0.03%). This missense change has been observed in individual(s) with autosomal dominant osteogenesis imperfecta and/or clinical features of COL1A2-related conditions (PMID: 30715774, 33942288). Advanced modeling of protein sequence and biophysical properties (such as structural, functional, and spatial information, amino acid conservation, physicochemical variation, residue mobility, and thermodynamic stability) performed at Invitae indicates that this missense variant is expected to disrupt COL1A2 protein function with a positive predictive value of 80%. In summary, the available evidence is currently insufficient to determine the role of this variant in disease. Therefore, it has been classified as a Variant of Uncertain Significance.

Literature cited by the submitters: PubMed 30715774; PubMed 33942288.